The following is an entry in ClinVar:

ClinVar aggregate classification (germline): Likely benign. Review status: criteria provided, multiple submitters, no conflicts (2 of 4 stars). 2 submissions from 2 submitters: Likely benign (2). Last evaluated 2023-12-18.

Conditions:
Familial thoracic aortic aneurysm and aortic dissection (TAAD). Also called: Thoracic aortic aneurysms and dissections. Identifiers: Orphanet 91387, MedGen C4707243, MONDO:0019625.
Marfan syndrome (MFS). Also called: Marfan's syndrome; Marfan syndrome, classic; MARFAN SYNDROME, TYPE I; Marfan syndrome type 1; FBN1-Related Marfan Syndrome. Identifiers: Orphanet 284963, Orphanet 558, MedGen C0024796, MONDO:0007947, OMIM 154700.

Allele frequency attached by ClinVar (database versions not stated): gnomAD exomes below 0.00001.
gnomAD v4.1: 5 of 1,613,374 alleles (0.00031%); highest among the groups gnomAD compares: East Asian, 0.0022%; no homozygotes.

Submissions (2):

All of Us Research Program, National Institutes of Health
Classification: Likely benign for Marfan syndrome. Last evaluated: 2023-12-18. Review status: criteria provided, single submitter. Criteria: ACMG Guidelines, 2015. Collection method: clinical testing. Allele origin: germline. Inheritance: Autosomal dominant inheritance. Observed: 2 variant alleles, 2 heterozygotes.
Comment: This study involves interpretation of variants in research participants for the purpose of population health screening. Participant phenotype was not available at the time of variant classification. Additional details can be found in publication PMID: 35346344, PMCID: PMC8962531

Ambry Genetics
Classification: Likely benign for Familial thoracic aortic aneurysm and aortic dissection. Last evaluated: 2018-07-17. Review status: criteria provided, single submitter. Criteria: Ambry Variant Classification Scheme 2023. Collection method: clinical testing. Allele origin: germline.

NM_000138.5(FBN1):c.1677G>A (p.Ala559=)

Gene: FBN1 (fibrillin 1; minus strand). Cytogenetic location: 15q21.1.
Variant type: single nucleotide variant.
Coding change: c.1677G>A on transcript NM_000138.5 (MANE Select); coding-DNA position 1677, G replaced by A.
Protein change: p.Ala559=; no amino-acid change (alanine 559 retained).
Molecular consequence: synonymous variant.
Genome position (GRCh38, 1-based): chr15:48,510,081, C>T on the plus strand (G>A on the coding strand, the complement: FBN1 is on the minus strand). VCF-style: chr15-48510081-C-T. GRCh37 (hg19) VCF-style: chr15-48802278-C-T.
Other names: c.1677G>A, p.Ala559= (NM_001406716.1).
Identifiers: ClinVar variation 1777818 (VCV001777818.3), dbSNP rs1403102093, ClinGen allele CA490027362.